The following is an entry in ClinVar:

ClinVar aggregate classification (germline): Likely pathogenic (1 of 4 stars; one submission).

Conditions:
Pyruvate carboxylase deficiency. Also called: ATAXIA WITH LACTIC ACIDOSIS II; LEIGH NECROTIZING ENCEPHALOPATHY DUE TO PYRUVATE CARBOXYLASE DEFICIENCY; LEIGH SYNDROME DUE TO PYRUVATE CARBOXYLASE DEFICIENCY; PC DEFICIENCY; Pyruvate Carboxylase Deficiency Disease. Identifiers: Orphanet 3008, MedGen C0034341, MONDO:0009949, OMIM 266150.

Submission:

Myriad Genetics, Inc.
Classification: Likely pathogenic for Pyruvate carboxylase deficiency. Last evaluated: 2022-03-21. Review status: criteria provided, single submitter. Criteria: Myriad Women's Health Autosomal Recessive and X-Linked Classification Criteria (2021). Collection method: clinical testing. Allele origin: unknown.
Comment: NM_000920.3(PC):c.1560delC(S521Afs*14) is expected to be pathogenic in the context of pyruvate carboxylase deficiency. This variant is predicted to lead to an abnormal or absent protein product due to the creation of a premature termination codon in PC, a gene where loss-of-function variants are known to be pathogenic. Please note: this variant was assessed in the context of healthy population screening.

NM_001040716.2(PC):c.1560del (p.Ser521fs)

Gene: PC (pyruvate carboxylase; minus strand). Cytogenetic location: 11q13.2.
Variant type: Deletion.
Coding change: c.1560del on transcript NM_001040716.2 (MANE Select); coding-DNA position 1560, one base deleted (C; older notation c.1560delC).
Protein change: p.Ser521fs; shifts the reading frame from serine 521.
Molecular consequence: frameshift variant.
Genome position (GRCh38, 1-based): chr11:66,852,790, G deleted on the plus strand (C on the coding strand, the reverse complement: PC is on the minus strand); the first of 2 consecutive G bases (chr11:66,852,790-66,852,791); deleting either gives the same sequence. VCF-style (leftmost placement, unchanged base first): chr11-66852789-TG-T. GRCh37 (hg19) VCF-style: chr11-66620260-TG-T.
Other names: c.1560del, p.Ser521fs (NM_000920.4, NM_022172.3); short protein forms S521fs.
Identifiers: ClinVar variation 1725433 (VCV001725433.2), dbSNP rs2495494945, ClinGen allele CA2580084618.